The following is an entry in ClinVar:

NM_003737.4(DCHS1):c.4557C>T (p.Pro1519=)

Gene: DCHS1 (dachsous cadherin-related 1; minus strand). Cytogenetic location: 11p15.4.
Variant type: single nucleotide variant.
Coding change: c.4557C>T on transcript NM_003737.4 (MANE Select); coding-DNA position 4557, C replaced by T.
Protein change: p.Pro1519=; no amino-acid change (proline 1519 retained).
Molecular consequence: synonymous variant.
Genome position (GRCh38, 1-based): chr11:6,630,237, G>A on the plus strand (C>T on the coding strand, the complement: DCHS1 is on the minus strand). VCF-style: chr11-6630237-G-A. GRCh37 (hg19) VCF-style: chr11-6651468-G-A.
Other names: c.4557C>T (NM_003737.3).
Identifiers: ClinVar variation 2153344 (VCV002153344.5), dbSNP rs759965401, ClinGen allele CA473240085.

ClinVar aggregate classification (germline): Likely benign. Review status: criteria provided, single submitter (1 of 4 stars). 2 submissions from 2 submitters: Likely benign (1). 1 of the submissions does not count toward it. Last evaluated 2022-01-03.

Conditions:
DCHS1-related disorder. Also called: DCHS1-related condition.

Allele frequency attached by ClinVar (database versions not stated): gnomAD 0.00001.
gnomAD v4.1: 7 of 1,550,680 alleles (0.00045%); highest among the groups gnomAD compares: South Asian, 0.0012%; no homozygotes.

Submissions (2):

Labcorp Genetics (formerly Invitae), Labcorp
Classification: Likely benign. Last evaluated: 2022-01-03. Review status: criteria provided, single submitter. Criteria: Invitae Variant Classification Sherloc (09022015). Collection method: clinical testing. Allele origin: germline.

PreventionGenetics, part of Exact Sciences
Classification: Likely benign for DCHS1-related condition. Last evaluated: 2024-04-11. Review status: no assertion criteria provided. Collection method: clinical testing. Allele origin: germline. Not counted in ClinVar's aggregate classification.
Comment: This variant is classified as likely benign based on ACMG/AMP sequence variant interpretation guidelines (Richards et al. 2015 PMID: 25741868, with internal and published modifications).